The following is an entry in ClinVar:

NM_004006.3(DMD):c.10509del (p.Glu3505fs)

Gene: DMD (dystrophin; minus strand). Cytogenetic location: Xp21.2.
Variant type: Deletion.
Coding change: c.10509del on transcript NM_004006.3 (MANE Select); coding-DNA position 10509, one base deleted (A; older notation c.10509delA).
Protein change: p.Glu3505fs; shifts the reading frame from glutamic acid 3505.
Molecular consequence: frameshift variant. On other transcripts: intron variant (2).
Genome position (GRCh38, 1-based): chrX:31,169,487, T deleted on the plus strand (A on the coding strand, the reverse complement: DMD is on the minus strand). VCF-style (leftmost placement, unchanged base first): chrX-31169486-CT-C. GRCh37 (hg19) VCF-style: chrX-31187603-CT-C.
Other names: c.10485del, p.Glu3497fs (NM_000109.4); c.10509delA, p.Glu3505Serfs (NM_004006.2); c.10497del, p.Glu3501fs (NM_004009.3); c.10140del, p.Glu3382fs (NM_004010.3); c.6486del, p.Glu2164fs (NM_004011.4); c.6477del, p.Glu2161fs (NM_004012.4); c.3129del, p.Glu1045fs (NM_004013.3, NM_004021.3); c.2322del, p.Glu776fs (NM_004014.3); and 5 more; short protein forms E2161fs, E424fs, E3382fs, E3497fs, E776fs, E1032fs, E1045fs, E2164fs.
Identifiers: ClinVar variation 3598266 (VCV003598266.3).

ClinVar aggregate classification (germline): Pathogenic/Likely pathogenic. Review status: criteria provided, multiple submitters, no conflicts (2 of 4 stars). 2 submissions from 2 submitters: Pathogenic (1); Likely pathogenic (1). Last evaluated 2024-05-24.

Conditions:
Duchenne muscular dystrophy (DMD). Also called: Duchenne Muscular Dystrophy (DMD); MUSCULAR DYSTROPHY, PSEUDOHYPERTROPHIC PROGRESSIVE, DUCHENNE TYPE. Identifiers: Orphanet 98896, MedGen C0013264, MONDO:0010679, OMIM 310200.
Becker muscular dystrophy (BMD). Also called: Becker Muscular Dystrophy (BMD); MUSCULAR DYSTROPHY, PSEUDOHYPERTROPHIC PROGRESSIVE, BECKER TYPE. Identifiers: Orphanet 98895, MedGen C0917713, MONDO:0010311, OMIM 300376.
Dilated cardiomyopathy 3B (CMD3B). Also called: CMD3B: DMD-Related Dilated Cardiomyopathy; CARDIOMYOPATHY, DILATED, X-LINKED; DMD-Associated Dilated Cardiomyopathy. Identifiers: Orphanet 154, MedGen C3668940, MONDO:0010542, OMIM 302045.

Submissions (2):

Labcorp Genetics (formerly Invitae), Labcorp
Classification: Pathogenic for Duchenne muscular dystrophy. Last evaluated: 2024-05-24. Review status: criteria provided, single submitter. Criteria: Invitae Variant Classification Sherloc (09022015). Collection method: clinical testing. Allele origin: germline.
Comment: This sequence change creates a premature translational stop signal (p.Glu3505Serfs*2) in the DMD gene. It is expected to result in an absent or disrupted protein product. Loss-of-function variants in DMD are known to be pathogenic (PMID: 16770791, 25007885). This variant is not present in population databases (gnomAD no frequency). This premature translational stop signal has been observed in individual(s) with DMD-related condition (PMID: 29652985). Algorithms developed to predict the effect of sequence changes on RNA splicing suggest that this variant may disrupt the consensus splice site. For these reasons, this variant has been classified as Pathogenic.

Fulgent Genetics
Classification: Likely pathogenic for Becker muscular dystrophy; Dilated cardiomyopathy 3B; Duchenne muscular dystrophy. Last evaluated: 2024-05-21. Review status: criteria provided, single submitter. Criteria: ACMG Guidelines, 2015. Collection method: clinical testing. Allele origin: germline.

Literature cited by the submitters: PubMed 16770791 (cited by Labcorp Genetics (formerly Invitae), Labcorp); PubMed 25007885 (cited by Labcorp Genetics (formerly Invitae), Labcorp); PubMed 29652985 (cited by Labcorp Genetics (formerly Invitae), Labcorp).